The following is an entry in ClinVar:

ClinVar aggregate classification (germline): Uncertain significance (1 of 4 stars; one submission).

Conditions:
Hereditary cancer-predisposing syndrome. Also called: Hereditary neoplastic syndrome; Hereditary Cancer Syndrome; Neoplastic Syndromes, Hereditary; Tumor predisposition. Identifiers: Orphanet 140162, MedGen C0027672, MeSH D009386, MONDO:0015356.

Submission:

Ambry Genetics
Classification: Uncertain significance for Hereditary cancer-predisposing syndrome. Last evaluated: 2023-06-01. Review status: criteria provided, single submitter. Criteria: Ambry Variant Classification Scheme 2023. Collection method: clinical testing. Allele origin: germline.
Comment: The p.G446A variant (also known as c.1337G>C), located in coding exon 6 of the ALK gene, results from a G to C substitution at nucleotide position 1337. The glycine at codon 446 is replaced by alanine, an amino acid with similar properties. This amino acid position is conserved. In addition, this alteration is predicted to be deleterious by in silico analysis. Since supporting evidence is limited at this time, the clinical significance of this alteration remains unclear.

NM_004304.5(ALK):c.1337G>C (p.Gly446Ala)

Gene: ALK (ALK receptor tyrosine kinase; minus strand). Cytogenetic location: 2p23.2.
Variant type: single nucleotide variant.
Coding change: c.1337G>C on transcript NM_004304.5 (MANE Select); coding-DNA position 1337, G replaced by C.
Protein change: p.Gly446Ala; replaces glycine 446 with alanine.
Molecular consequence: missense variant.
Genome position (GRCh38, 1-based): chr2:29,328,427, C>G on the plus strand (G>C on the coding strand, the complement: ALK is on the minus strand). VCF-style: chr2-29328427-C-G. GRCh37 (hg19) VCF-style: chr2-29551293-C-G.
Other names: short protein forms G446A.
Identifiers: ClinVar variation 2566605 (VCV002566605.2), dbSNP rs2148258347, ClinGen allele CA346474360.